The following is an entry in ClinVar:

NM_001291303.3(FAT4):c.5552C>T (p.Pro1851Leu)

Gene: FAT4 (FAT atypical cadherin 4; plus strand). Cytogenetic location: 4q28.1.
Variant type: single nucleotide variant.
Coding change: c.5552C>T on transcript NM_001291303.3 (MANE Select); coding-DNA position 5552, C replaced by T.
Protein change: p.Pro1851Leu; replaces proline 1851 with leucine.
Molecular consequence: missense variant.
Genome position (GRCh38, 1-based): chr4:125,407,124, C>T. VCF-style: chr4-125407124-C-T. GRCh37 (hg19) VCF-style: chr4-126328279-C-T.
Other names: c.5552C>T (NM_001291303.1); c.5552C>T, p.Pro1851Leu (NM_001291285.3, NM_024582.6); short protein forms P1851L.
Identifiers: ClinVar variation 1306673 (VCV001306673.14), dbSNP rs138655912, ClinGen allele CA3072743.

ClinVar aggregate classification (germline): Conflicting classifications of pathogenicity. Review status: criteria provided, conflicting classifications (1 of 4 stars). 5 submissions from 5 submitters: Uncertain significance (4); Likely benign (1). Last evaluated 2026-03-11.

Conditions:
Inborn genetic diseases. Identifiers: MedGen C0950123, MeSH D030342.
FAT4-related disorder. Also called: FAT4-related condition.

Allele frequency attached by ClinVar (database versions not stated): gnomAD exomes 0.00003 and 0.00008; ExAC 0.00012; ESP Exome Variant Server 0.00015; gnomAD 0.00033 and 0.00035; TOPMed 0.00048.
gnomAD v4.1: 101 of 1,611,844 alleles (0.0063%); highest among the groups gnomAD compares: African/African-American, 0.12%; no homozygotes.

Submissions (5):

PreventionGenetics, part of Exact Sciences
Classification: Uncertain significance for FAT4-related condition. Last evaluated: 2026-03-11. Review status: criteria provided, single submitter. Criteria: ACMG Guidelines, 2015. Collection method: clinical testing. Allele origin: germline.
Comment: The FAT4 c.5552C>T variant is predicted to result in the amino acid substitution p.Pro1851Leu. To our knowledge, this variant has not been reported in the literature. This variant is reported in 0.12% of alleles in individuals of African descent in gnomAD, which may be too common to be causative. Although we suspect that this variant may be benign, at this time, the clinical significance of this variant is uncertain due to the absence of conclusive functional and genetic evidence.

Women's Health and Genetics/Laboratory Corporation of America, LabCorp
Classification: Uncertain significance. Last evaluated: 2026-03-10. Review status: criteria provided, single submitter. Criteria: LabCorp Variant Classification Summary - May 2015. Collection method: clinical testing. Allele origin: germline.
Comment: Variant summary: FAT4 c.5552C>T (p.Pro1851Leu) results in a non-conservative amino acid change in the encoded protein sequence. Algorithms developed to predict the effect of missense changes on protein structure and function are either unavailable or do not agree on the potential impact of this missense change. The variant allele was found at a frequency of 7.6e-05 in 249584 control chromosomes. This frequency is not significantly higher than estimated for disease-causing variants in FAT4, allowing no conclusion about variant significance. To our knowledge, no occurrence of c.5552C>T in individuals affected with FAT4-related conditions and no experimental evidence demonstrating its impact on protein function have been reported. ClinVar contains an entry for this variant (Variation ID: 1306673). Based on the evidence outlined above, the variant was classified as uncertain significance.

Labcorp Genetics (formerly Invitae), Labcorp
Classification: Likely benign. Last evaluated: 2025-11-10. Review status: criteria provided, single submitter. Criteria: Invitae Variant Classification Sherloc (09022015). Collection method: clinical testing. Allele origin: germline.

Ambry Genetics
Classification: Uncertain significance for Inborn genetic diseases. Last evaluated: 2024-03-01. Review status: criteria provided, single submitter. Criteria: Ambry Variant Classification Scheme 2023. Collection method: clinical testing. Allele origin: germline.

GeneDx
Classification: Uncertain significance. Last evaluated: 2023-06-22. Review status: criteria provided, single submitter. Criteria: GeneDx Variant Classification Process June 2021. Collection method: clinical testing. Allele origin: germline. Affected: yes.
Comment: In silico analysis supports that this missense variant has a deleterious effect on protein structure/function; Has not been previously published as pathogenic or benign to our knowledge